The following is an entry in ClinVar:

NM_000397.4(CYBB):c.1462-56_1586+68dup

Gene: CYBB (cytochrome b-245 beta chain; plus strand). Cytogenetic location: Xp11.4.
Variant type: Duplication.
Coding change: c.1462-56_1586+68dup on transcript NM_000397.4 (MANE Select); 56 bases into the intron before coding-DNA position 1462 through 68 bases into the intron after coding-DNA position 1586, 249 bases duplicated.
Molecular consequence: splice acceptor variant, splice donor variant.
Genome position (GRCh38, 1-based): chrX:37,809,511-37,809,759, 249 bases duplicated. GRCh37 (hg19): chrX:37,668,764-37,669,012.
Identifiers: ClinVar variation 503744 (VCV000503744.1), dbSNP rs1556472628, ClinGen allele CA658799716.

ClinVar aggregate classification (germline): Pathogenic (1 of 4 stars; one submission).

Submission:

GeneDx
Classification: Pathogenic. Last evaluated: 2016-07-12. Review status: criteria provided, single submitter. Criteria: GeneDx Variant Classification (06012015). Collection method: clinical testing. Allele origin: germline. Affected: yes.
Comment: A duplication of exon 12 of the CYBB gene has not been published previously to our knowledge; however, the duplicated exon 12 is out of frame and is expected to interfere with normal protein function. Other gross insertions have been reported in the Human Gene Mutation Database in association with chronic granulomatous disease (CGD) (Stenson et al., 2014).